The following is an entry in ClinVar:

NM_000329.3(RPE65):c.432C>G (p.Tyr144Ter)

Gene: RPE65 (retinoid isomerohydrolase RPE65; minus strand). Cytogenetic location: 1p31.3.
Variant type: single nucleotide variant.
Coding change: c.432C>G on transcript NM_000329.3 (MANE Select); coding-DNA position 432, C replaced by G.
Protein change: p.Tyr144Ter; replaces tyrosine 144 with a stop codon.
Molecular consequence: nonsense.
Genome position (GRCh38, 1-based): chr1:68,444,594, G>C on the plus strand (C>G on the coding strand, the complement: RPE65 is on the minus strand). VCF-style: chr1-68444594-G-C. GRCh37 (hg19) VCF-style: chr1-68910277-G-C.
Other names: short protein forms Y144*.
Identifiers: ClinVar variation 1452583 (VCV001452583.8), dbSNP rs56021047, ClinGen allele CA340747768.

ClinVar aggregate classification (germline): Pathogenic. Review status: criteria provided, multiple submitters, no conflicts (2 of 4 stars). 3 submissions from 3 submitters: Pathogenic (3). Last evaluated 2024-12-23.

Conditions:
RPE65-related recessive retinopathy. Also called: Recessive RPE65 retinopathy. Identifiers: MedGen CN305526, MONDO:0100368.
Leber congenital amaurosis 2 (LCA2). Also called: AMAUROSIS CONGENITA OF LEBER II; Autosomal Recessive RPE65-Related Retinal Degeneration. Identifiers: Orphanet 65, MedGen C1859844, MONDO:0008765, OMIM 204100. Disease mechanism: loss of function.
Retinitis pigmentosa 20 (RP20). Identifiers: Orphanet 791, MedGen C3151086, MONDO:0013425, OMIM 613794.

gnomAD v4.1: 3 of 1,613,954 alleles (0.00019%); highest among the groups gnomAD compares: Admixed American, 0.005%; no homozygotes.

Submissions (3):

Labcorp Genetics (formerly Invitae), Labcorp
Classification: Pathogenic for Leber congenital amaurosis 2; Retinitis pigmentosa 20. Last evaluated: 2024-12-23. Review status: criteria provided, single submitter. Criteria: Invitae Variant Classification Sherloc (09022015). Collection method: clinical testing. Allele origin: germline.
Comment: This sequence change creates a premature translational stop signal (p.Tyr144*) in the RPE65 gene. It is expected to result in an absent or disrupted protein product. Loss-of-function variants in RPE65 are known to be pathogenic (PMID: 9326941, 9501220, 9843205, 18632300). This variant is present in population databases (no rsID available, gnomAD 0.006%). This premature translational stop signal has been observed in individual(s) with retinitis pigmentosa (PMID: 26667666). ClinVar contains an entry for this variant (Variation ID: 1452583). Algorithms developed to predict the effect of sequence changes on RNA splicing suggest that this variant may disrupt the consensus splice site. For these reasons, this variant has been classified as Pathogenic.

Myriad Genetics, Inc.
Classification: Pathogenic for RPE65-related recessive retinopathy. Last evaluated: 2024-05-14. Review status: criteria provided, single submitter. Criteria: Myriad Autosomal Dominant, Autosomal Recessive and X-Linked Classification Criteria (2023). Collection method: clinical testing. Allele origin: unknown.
Comment: NM_000329.2(RPE65):c.432C>G(Y144*) is expected to be pathogenic in the context of inherited retinal dystrophy, RPE65-related. This variant is predicted to lead to an abnormal or absent protein product due to the creation of a premature termination codon in RPE65, a gene where loss-of-function variants are known to be pathogenic. Please note: this variant was assessed in the context of healthy population screening.

Baylor Genetics
Classification: Pathogenic for Leber congenital amaurosis 2. Last evaluated: 2024-01-25. Review status: criteria provided, single submitter. Criteria: ACMG Guidelines, 2015. Collection method: clinical testing. Allele origin: unknown.

Literature cited by the submitters: PubMed 9326941 (cited by Labcorp Genetics (formerly Invitae), Labcorp); PubMed 9501220 (cited by Labcorp Genetics (formerly Invitae), Labcorp); PubMed 9843205 (cited by Labcorp Genetics (formerly Invitae), Labcorp); PubMed 18632300 (cited by Labcorp Genetics (formerly Invitae), Labcorp); PubMed 26667666 (cited by Labcorp Genetics (formerly Invitae), Labcorp).